The following is an entry in ClinVar:

NM_080632.3(UPF3B):c.385G>A (p.Ala129Thr)

Gene: UPF3B (UPF3B regulator of nonsense mediated mRNA decay; minus strand). Cytogenetic location: Xq24.
Variant type: single nucleotide variant.
Coding change: c.385G>A on transcript NM_080632.3 (MANE Select); coding-DNA position 385, G replaced by A.
Protein change: p.Ala129Thr; replaces alanine 129 with threonine.
Molecular consequence: missense variant.
Genome position (GRCh38, 1-based): chrX:119,845,282, C>T on the plus strand (G>A on the coding strand, the complement: UPF3B is on the minus strand). VCF-style: chrX-119845282-C-T. GRCh37 (hg19) VCF-style: chrX-118979245-C-T.
Other names: c.385G>A, p.Ala129Thr (NM_023010.4); short protein forms A129T.
Identifiers: ClinVar variation 4701358 (VCV004701358.1).

ClinVar aggregate classification (germline): Uncertain significance (1 of 4 stars; one submission).

Conditions:
Intellectual developmental disorder, X-linked, syndromic 14. Also called: Syndromic X-linked intellectual disability 14. Identifiers: Orphanet 776, MedGen C1970822, MONDO:0010398, OMIM 300676.

Submission:

Labcorp Genetics (formerly Invitae), Labcorp
Classification: Uncertain significance for Intellectual developmental disorder, X-linked, syndromic 14. Last evaluated: 2025-04-17. Review status: criteria provided, single submitter. Criteria: Invitae Variant Classification Sherloc (09022015). Collection method: clinical testing. Allele origin: germline.
Comment: This sequence change replaces alanine, which is neutral and non-polar, with threonine, which is neutral and polar, at codon 129 of the UPF3B protein (p.Ala129Thr). This variant is not present in population databases (gnomAD no frequency). This variant has not been reported in the literature in individuals affected with UPF3B-related conditions. Invitae Evidence Modeling of protein sequence and biophysical properties (such as structural, functional, and spatial information, amino acid conservation, physicochemical variation, residue mobility, and thermodynamic stability) indicates that this missense variant is expected to disrupt UPF3B protein function with a positive predictive value of 80%. In summary, the available evidence is currently insufficient to determine the role of this variant in disease. Therefore, it has been classified as a Variant of Uncertain Significance.